The following is an entry in ClinVar:

NM_003638.3(ITGA8):c.410del (p.Gly137fs)

Gene: ITGA8 (integrin subunit alpha 8; minus strand). Cytogenetic location: 10p13.
Variant type: Deletion.
Coding change: c.410del on transcript NM_003638.3 (MANE Select); coding-DNA position 410, one base deleted (G; older notation c.410delG).
Protein change: p.Gly137fs; shifts the reading frame from glycine 137.
Molecular consequence: frameshift variant.
Genome position (GRCh38, 1-based): chr10:15,687,972, C deleted on the plus strand (G on the coding strand, the reverse complement: ITGA8 is on the minus strand); the first of 2 consecutive C bases (chr10:15,687,972-15,687,973); deleting either gives the same sequence. VCF-style (leftmost placement, unchanged base first): chr10-15687971-TC-T. GRCh37 (hg19) VCF-style: chr10-15729970-TC-T.
Other names: c.410del, p.Gly137fs (NM_001291494.2); short protein forms G137fs.
Identifiers: ClinVar variation 4778227 (VCV004778227.1).

ClinVar aggregate classification (germline): Pathogenic (1 of 4 stars; one submission).

Submission:

Labcorp Genetics (formerly Invitae), Labcorp
Classification: Pathogenic. Last evaluated: 2025-04-23. Review status: criteria provided, single submitter. Criteria: Invitae Variant Classification Sherloc (09022015). Collection method: clinical testing. Allele origin: germline.
Comment: This sequence change creates a premature translational stop signal (p.Gly137Glufs*4) in the ITGA8 gene. It is expected to result in an absent or disrupted protein product. Loss-of-function variants in ITGA8 are known to be pathogenic (PMID: 24439109). This variant is not present in population databases (gnomAD no frequency). This variant has not been reported in the literature in individuals affected with ITGA8-related conditions. For these reasons, this variant has been classified as Pathogenic.

Literature cited by the submitters: PubMed 24439109.